The following is an entry in ClinVar:

NM_000492.4(CFTR):c.1107C>A (p.Asn369Lys)

Gene: CFTR (CF transmembrane conductance regulator; plus strand). Cytogenetic location: 7q31.2.
Variant type: single nucleotide variant.
Coding change: c.1107C>A on transcript NM_000492.4 (MANE Select); coding-DNA position 1107, C replaced by A.
Protein change: p.Asn369Lys; replaces asparagine 369 with lysine.
Molecular consequence: missense variant.
Genome position (GRCh38, 1-based): chr7:117,540,337, C>A. VCF-style: chr7-117540337-C-A. GRCh37 (hg19) VCF-style: chr7-117180391-C-A.
Other names: short protein forms N369K.
Identifiers: ClinVar variation 4227384 (VCV004227384.1).

ClinVar aggregate classification (germline): Uncertain significance (1 of 4 stars; one submission).

Conditions:
Cystic fibrosis (CF). Also called: MUCOVISCIDOSIS. Identifiers: Orphanet 586, MedGen C0010674, MONDO:0009061, OMIM 219700. Disease mechanism: loss of function.

gnomAD v4.1: 2 of 1,613,254 alleles (0.00012%); highest among the groups gnomAD compares: African/African-American, 0.0013%; no homozygotes.

Submission:

Ambry Genetics
Classification: Uncertain significance for Cystic fibrosis. Last evaluated: 2025-08-26. Review status: criteria provided, single submitter. Criteria: Ambry Variant Classification Scheme 2023. Collection method: clinical testing. Allele origin: germline.
Comment: The p.N369K variant (also known as c.1107C>A), located in coding exon 8 of the CFTR gene, results from a C to A substitution at nucleotide position 1107. The asparagine at codon 369 is replaced by lysine, an amino acid with similar properties. This amino acid position is not well conserved in available vertebrate species. In addition, the in silico prediction for this alteration is inconclusive. Based on the available evidence, the clinical significance of this variant remains unclear.